The following is an entry in ClinVar:

NM_015158.5(KANK1):c.204G>A (p.Lys68=)

Gene: KANK1 (KN motif and ankyrin repeat domains 1; plus strand). Cytogenetic location: 9p24.3.
Variant type: single nucleotide variant.
Coding change: c.204G>A on transcript NM_015158.5 (MANE Select); coding-DNA position 204, G replaced by A.
Protein change: p.Lys68=; no amino-acid change (lysine 68 retained).
Molecular consequence: synonymous variant. On other transcripts: 5 prime UTR variant (12), non-coding transcript variant (1).
Genome position (GRCh38, 1-based): chr9:710,970, G>A. VCF-style: chr9-710970-G-A. GRCh37 (hg19) VCF-style: chr9-710970-G-A.
Other names: c.-271G>A (NM_001354337.2, NM_001354338.2, NM_001354339.2 and 9 more transcripts); c.204G>A, p.Lys68= (NM_001256876.3, NM_001256877.3, NM_001354331.2 and 2 more transcripts).
Identifiers: ClinVar variation 3257013 (VCV003257013.17).
Genomic context (GRCh38, chr9:710,970, plus strand): 5'-TGTGGATGACATACAGAAGGGAAATACCATCAAAAGACTGAACATCCAGAAGAGGCGGAA[G>A]CCGTCCGTGCCATGCCCAGAACCCAGGACCACATCTGGTCAGCAAGGTATATGGACTTCC-3'
Protein context (NP_055973.2, residues 58-78): IKRLNIQKRR[Lys68=]PSVPCPEPRT

ClinVar aggregate classification (germline): Likely benign (1 of 4 stars; one submission).

gnomAD v4.1: 18 of 1,614,052 alleles (0.0011%); highest among the groups gnomAD compares: Non-Finnish European, 0.0015%; no homozygotes.

Submission:

CeGaT Center for Human Genetics Tuebingen
Classification: Likely benign. Last evaluated: 2024-07-01. Review status: criteria provided, single submitter. Criteria: CeGaT Center For Human Genetics Tuebingen Variant Classification Criteria Version 2. Collection method: clinical testing. Allele origin: germline. Affected: yes. Observed: 1 variant allele.
Comment: KANK1: BP4, BP7